The following is an entry in ClinVar:

NM_020800.3(IFT80):c.371-10C>A

Genes: IFT80 (intraflagellar transport 80; minus strand), TRIM59-IFT80 (TRIM59-IFT80 readthrough (NMD candidate); minus strand). Cytogenetic location: 3q25.33.
Variant type: single nucleotide variant.
Coding change: c.371-10C>A on transcript NM_020800.3 (MANE Select); 10 bases into the intron before coding-DNA position 371, C replaced by A.
Molecular consequence: intron variant.
Genome position (GRCh38, 1-based): chr3:160,375,890, G>T on the plus strand (C>A on the coding strand, the complement: IFT80 is on the minus strand). VCF-style: chr3-160375890-G-T. GRCh37 (hg19) VCF-style: chr3-160093678-G-T.
Other names: c.-41-10C>A (NM_001190241.2, NM_001190242.2).
Identifiers: ClinVar variation 284855 (VCV000284855.51), dbSNP rs188321058, ClinGen allele CA2685509.
Genomic context (GRCh38, chr3:160,375,890, plus strand): 5'-ATCTAAGCATCCCAGTCTTTGACCAAATTTTTATTTGTCCATCTTCTCCAACTATACAGG[G>T]AAAAAAAAATTAATCAGTATTTTTACCTATAGAAAATAAATTTAAACATTAAATTTGCAT-3'

ClinVar aggregate classification (germline): Benign/Likely benign. Review status: criteria provided, multiple submitters, no conflicts (2 of 4 stars). 7 submissions from 7 submitters: Benign (2); Likely benign (5). Last evaluated 2026-01-27.

Conditions:
Connective tissue disorder. Also called: Connective tissue disease. Identifiers: MedGen C0009782, MONDO:0003900.
Jeune thoracic dystrophy. Also called: Short-rib thoracic dysplasia; Jeune syndrome; Infantile thoracic dystrophy; Thoracic pelvic phalangeal dystrophy; Jeune's syndrome; Chondroectodermal dysplasia-like syndrome. Identifiers: Orphanet 474, MedGen C0265275, MONDO:0018770.
Asphyxiating thoracic dystrophy 2 (SRTD2). Also called: SHORT-RIB THORACIC DYSPLASIA 2 WITH OR WITHOUT POLYDACTYLY; SHORT-RIB THORACIC DYSPLASIA 2 WITH POLYDACTYLY; SHORT-RIB THORACIC DYSPLASIA 2 WITHOUT POLYDACTYLY. Identifiers: Orphanet 474, MedGen C1970005, MONDO:0012644, OMIM 611263.

Allele frequency attached by ClinVar (database versions not stated): 1000 Genomes Project 0.00280; ESP Exome Variant Server 0.00331; TOPMed 0.00350; gnomAD 0.00420 and 0.00425; gnomAD exomes 0.00436; ExAC 0.00451.
gnomAD v4.1: 8,534 of 1,558,710 alleles (0.55%); highest among the groups gnomAD compares: Non-Finnish European, 0.64%; 35 homozygotes.

Submissions (11):

Labcorp Genetics (formerly Invitae), Labcorp
Classification: Benign for Jeune thoracic dystrophy. Last evaluated: 2026-01-27. Review status: criteria provided, single submitter. Criteria: Invitae Variant Classification Sherloc (09022015). Collection method: clinical testing. Allele origin: germline.

CeGaT Center for Human Genetics Tuebingen
Classification: Likely benign. Last evaluated: 2025-08-01. Review status: criteria provided, single submitter. Criteria: CeGaT Center For Human Genetics Tuebingen Variant Classification Criteria Version 2. Collection method: clinical testing. Allele origin: germline. Affected: yes. Observed: 4 variant alleles.
Comment: IFT80: BS2

ARUP Laboratories, Molecular Genetics and Genomics, ARUP Laboratories
Classification: Likely benign for Asphyxiating thoracic dystrophy 2. Last evaluated: 2023-10-20. Review status: criteria provided, single submitter. Criteria: ARUP Molecular Germline Variant Investigation Process 2024. Collection method: clinical testing. Allele origin: germline.

Genome Diagnostics Laboratory, The Hospital for Sick Children
Classification: Benign for Connective tissue disorder. Last evaluated: 2022-01-21. Review status: criteria provided, single submitter. Criteria: ACMG Guidelines, 2015. Collection method: clinical testing. Allele origin: germline.

Illumina Laboratory Services, Illumina
Classification: Likely benign for Asphyxiating thoracic dystrophy 2. Last evaluated: 2018-01-12. Review status: criteria provided, single submitter. Criteria: ICSL Variant Classification Criteria 13 December 2019. Collection method: clinical testing. Allele origin: germline.
Comment: This variant was observed in the ICSL laboratory as part of a predisposition screen in an ostensibly healthy population. It had not been previously curated by ICSL or reported in the Human Gene Mutation Database (HGMD: prior to June 1st, 2018), and was therefore a candidate for classification through an automated scoring system. Utilizing variant allele frequency, disease prevalence and penetrance estimates, and inheritance mode, an automated score was calculated to assess if this variant is too frequent to cause the disease. Based on the score and internal cut-off values, a variant classified as likely benign is not then subjected to further curation. The score for this variant resulted in a classification of likely benign for this disease.

Eurofins Ntd Llc (ga)
Classification: Likely benign. Last evaluated: 2015-12-07. Review status: criteria provided, single submitter. Criteria: EGL Classification Definitions 2015. Collection method: clinical testing. Allele origin: germline. Observed: 1 variant allele, 1 heterozygote.

Breakthrough Genomics
Classification: Likely benign. Review status: criteria provided, single submitter. Criteria: ACMG Guidelines, 2015. Collection method: not provided. Allele origin: germline. Inheritance: Autosomal recessive inheritance. Affected: yes.

Dr. Peter K. Rogan Lab, Western University
No classification provided (evidence only). Condition: Lung cancer. Review status: no classification provided. Collection method: in vitro. Allele origin: not applicable. Functional consequence: retained intron. Not counted in ClinVar's aggregate classification.

Dr. Peter K. Rogan Lab, Western University
No classification provided (evidence only). Condition: Familial pancreatic carcinoma. Review status: no classification provided. Collection method: in vitro. Allele origin: not applicable. Functional consequence: retained intron. Not counted in ClinVar's aggregate classification.

Dr. Peter K. Rogan Lab, Western University
No classification provided (evidence only). Condition: Ovarian cancer. Review status: no classification provided. Collection method: in vitro. Allele origin: not applicable. Functional consequence: retained intron. Not counted in ClinVar's aggregate classification.

Dr. Peter K. Rogan Lab, Western University
No classification provided (evidence only). Condition: Ovarian cancer. Review status: no classification provided. Collection method: in vitro. Allele origin: not applicable. Functional consequence: retained intron. Not counted in ClinVar's aggregate classification.